The following is an entry in ClinVar:

ClinVar aggregate classification (germline): Benign (1 of 4 stars; one submission).

Conditions:
Fanconi anemia complementation group F. Also called: FANCF-Related Fanconi Anemia. Identifiers: Orphanet 84, MedGen C3469526, MONDO:0011325, OMIM 603467.

Allele frequency attached by ClinVar (database versions not stated): gnomAD exomes 0.00091; gnomAD 0.00753 and 0.00813; 1000 Genomes Project 30x 0.00796; 1000 Genomes Project 0.00799; TOPMed 0.00895.
gnomAD v4.1: 1,161 of 178,516 alleles (0.65%); highest among the groups gnomAD compares: African/African-American, 2.6%; 13 homozygotes.

Submission:

Illumina Laboratory Services, Illumina
Classification: Benign for Fanconi anemia complementation group F. Last evaluated: 2018-01-12. Review status: criteria provided, single submitter. Criteria: ICSL Variant Classification Criteria 13 December 2019. Collection method: clinical testing. Allele origin: germline.
Comment: This variant was observed in the ICSL laboratory as part of a predisposition screen in an ostensibly healthy population. It had not been previously curated by ICSL or reported in the Human Gene Mutation Database (HGMD: prior to June 1st, 2018), and was therefore a candidate for classification through an automated scoring system. Utilizing variant allele frequency, disease prevalence and penetrance estimates, and inheritance mode, an automated score was calculated to assess if this variant is too frequent to cause the disease. Based on the score and internal cut-off values, a variant classified as benign is not then subjected to further curation. The score for this variant resulted in a classification of benign for this disease.

NM_022725.4(FANCF):c.*2123G>A

Gene: FANCF (FA complementation group F; minus strand). Cytogenetic location: 11p14.3.
Variant type: single nucleotide variant.
Coding change: c.*2123G>A on transcript NM_022725.4 (MANE Select); 2123 bases downstream of the stop codon, G replaced by A.
Molecular consequence: 3 prime UTR variant.
Genome position (GRCh38, 1-based): chr11:22,622,563, C>T on the plus strand (G>A on the coding strand, the complement: FANCF is on the minus strand). VCF-style: chr11-22622563-C-T. GRCh37 (hg19) VCF-style: chr11-22644109-C-T.
Identifiers: ClinVar variation 304172 (VCV000304172.5), dbSNP rs45625034, ClinGen allele CA10638808.